The following is an entry in ClinVar:

ClinVar aggregate classification (germline): Uncertain significance (1 of 4 stars; one submission).

gnomAD v4.1: 4 of 1,613,832 alleles (0.00025%); highest among the groups gnomAD compares: Admixed American, 0.0067%; no homozygotes.

Submission:

Labcorp Genetics (formerly Invitae), Labcorp
Classification: Uncertain significance. Last evaluated: 2024-06-19. Review status: criteria provided, single submitter. Criteria: Invitae Variant Classification Sherloc (09022015). Collection method: clinical testing. Allele origin: germline.
Comment: This sequence change replaces histidine, which is basic and polar, with arginine, which is basic and polar, at codon 588 of the PLG protein (p.His588Arg). This variant is present in population databases (rs202141531, gnomAD 0.009%). This variant has not been reported in the literature in individuals affected with PLG-related conditions. Advanced modeling of protein sequence and biophysical properties (such as structural, functional, and spatial information, amino acid conservation, physicochemical variation, residue mobility, and thermodynamic stability) performed at Invitae indicates that this missense variant is not expected to disrupt PLG protein function with a negative predictive value of 80%. In summary, the available evidence is currently insufficient to determine the role of this variant in disease. Therefore, it has been classified as a Variant of Uncertain Significance.

NM_000301.5(PLG):c.1763A>G (p.His588Arg)

Gene: PLG (plasminogen; plus strand). Cytogenetic location: 6q26.
Variant type: single nucleotide variant.
Coding change: c.1763A>G on transcript NM_000301.5 (MANE Select); coding-DNA position 1763, A replaced by G.
Protein change: p.His588Arg; replaces histidine 588 with arginine.
Molecular consequence: missense variant.
Genome position (GRCh38, 1-based): chr6:160,736,968, A>G. VCF-style: chr6-160736968-A-G. GRCh37 (hg19) VCF-style: chr6-161158000-A-G.
Other names: short protein forms H588R.
Identifiers: ClinVar variation 3713904 (VCV003713904.2).